The following is an entry in ClinVar:

NM_201384.3(PLEC):c.8434A>G (p.Thr2812Ala)

Gene: PLEC (plectin; minus strand). Cytogenetic location: 8q24.3.
Variant type: single nucleotide variant.
Coding change: c.8434A>G on transcript NM_201384.3 (MANE Select); coding-DNA position 8434, A replaced by G.
Protein change: p.Thr2812Ala; replaces threonine 2812 with alanine.
Molecular consequence: missense variant.
Genome position (GRCh38, 1-based): chr8:143,921,387, T>C on the plus strand (A>G on the coding strand, the complement: PLEC is on the minus strand). VCF-style: chr8-143921387-T-C. GRCh37 (hg19) VCF-style: chr8-144995555-T-C.
Other names: c.8515A>G (NM_000445.3); c.8515A>G, p.Thr2839Ala (NM_000445.5); c.8392A>G, p.Thr2798Ala (NM_201378.4); c.8368A>G, p.Thr2790Ala (NM_201379.3); c.8845A>G, p.Thr2949Ala (NM_201380.4); c.8338A>G, p.Thr2780Ala (NM_201381.3); c.8434A>G, p.Thr2812Ala (NM_201382.4); c.8446A>G, p.Thr2816Ala (NM_201383.3); short protein forms T2780A, T2790A, T2798A, T2812A, T2816A, T2949A, T2839A.
Identifiers: ClinVar variation 837427 (VCV000837427.8), dbSNP rs782242650, ClinGen allele CA4925316.
Genomic context (GRCh38, chr8:143,921,387, plus strand): 5'-GCCGGTAGGCCACGTCCACGGGCACGCGGTGGCTGTGCACGGGGTCGATAACGCCGCCCG[T>C]GGCGATCTGGGCCTCCAGCAGGCGGATGCCGTGCTCCCGGACGATGAGGCCCTTCTGCAT-3'
Protein context (NP_958786.1, residues 2802-2822): GIRLLEAQIA[Thr2812Ala]GGVIDPVHSH

ClinVar aggregate classification (germline): Uncertain significance. Review status: criteria provided, multiple submitters, no conflicts (2 of 4 stars). 3 submissions from 3 submitters: Uncertain significance (3). Last evaluated 2026-03-03.

Conditions:
Epidermolysis bullosa simplex 5C, with pyloric atresia (EBS5C). Also called: PLEC-Related Epidermolysis Bullosa with Pyloric Atresia; Epidermolysis bullosa simplex with pyloric atresia; PLEC1-Related Epidermolysis Bullosa with Pyloric Atresia. Identifiers: Orphanet 158684, MedGen C2677349, MONDO:0012807, OMIM 612138.
Epidermolysis bullosa simplex 5B, with muscular dystrophy (EBS5B). Also called: EPIDERMOLYSIS BULLOSA SIMPLEX AND LIMB-GIRDLE MUSCULAR DYSTROPHY; Epidermolysis bullosa simplex with muscular dystrophy. Identifiers: Orphanet 257, MedGen C2931072, MONDO:0009181, OMIM 226670.
Epidermolysis bullosa simplex with nail dystrophy (EBS5D). Identifiers: MedGen C4225309, MONDO:0014661, OMIM 616487.
Epidermolysis bullosa simplex, Ogna type (EBS5A). Also called: Pidermolysis bullosa simplex 5A, Ogna type; EPIDERMOLYSIS BULLOSA SIMPLEX 5A, OGNA TYPE. Identifiers: Orphanet 79401, MedGen C0432317, MONDO:0007555, OMIM 131950.
Autosomal recessive limb-girdle muscular dystrophy type 2Q (LGMDR17). Also called: MUSCULAR DYSTROPHY, LIMB-GIRDLE, AUTOSOMAL RECESSIVE 17. Identifiers: Orphanet 254361, MedGen C3150989, MONDO:0013390, OMIM 613723.
PLEC-related disorder. Also called: PLEC-related condition; PLEC-related disorders.
Inborn genetic diseases. Identifiers: MedGen C0950123, MeSH D030342.

Allele frequency attached by ClinVar (database versions not stated): gnomAD 0.00002; ExAC 0.00003; TOPMed 0.00003; gnomAD exomes 0.00004 and 0.00013.
gnomAD v4.1: 184 of 1,613,212 alleles (0.011%); highest among the groups gnomAD compares: Non-Finnish European, 0.015%; no homozygotes.

Submissions (3):

PreventionGenetics, part of Exact Sciences
Classification: Uncertain significance for PLEC-related condition. Last evaluated: 2026-03-03. Review status: criteria provided, single submitter. Criteria: ACMG Guidelines, 2015. Collection method: clinical testing. Allele origin: germline.
Comment: The PLEC c.8515A>G variant is predicted to result in the amino acid substitution p.Thr2839Ala. To our knowledge, this variant has not been reported in the literature. This variant is reported in 0.0071% of alleles in individuals of European (Non-Finnish) descent in gnomAD. At this time, the clinical significance of this variant is uncertain due to the absence of conclusive functional and genetic evidence.

Labcorp Genetics (formerly Invitae), Labcorp
Classification: Uncertain significance for Autosomal recessive limb-girdle muscular dystrophy type 2Q; Epidermolysis bullosa simplex, Ogna type; Epidermolysis bullosa simplex with nail dystrophy; Epidermolysis bullosa simplex 5C, with pyloric atresia; Epidermolysis bullosa simplex 5B, with muscular dystrophy. Last evaluated: 2026-02-01. Review status: criteria provided, single submitter. Criteria: Invitae Variant Classification Sherloc (09022015). Collection method: clinical testing. Allele origin: germline.
Comment: This sequence change replaces threonine, which is neutral and polar, with alanine, which is neutral and non-polar, at codon 2839 of the PLEC protein (p.Thr2839Ala). This variant is present in population databases (rs782242650, gnomAD 0.007%). This variant has not been reported in the literature in individuals affected with PLEC-related conditions. ClinVar contains an entry for this variant (Variation ID: 837427). An algorithm developed to predict the effect of missense changes on protein structure and function (PolyPhen-2) suggests that this variant is likely to be disruptive. In summary, the available evidence is currently insufficient to determine the role of this variant in disease. Therefore, it has been classified as a Variant of Uncertain Significance.

Ambry Genetics
Classification: Uncertain significance for Inborn genetic diseases. Last evaluated: 2025-12-16. Review status: criteria provided, single submitter. Criteria: Ambry Variant Classification Scheme 2023. Collection method: clinical testing. Allele origin: germline.